The following is an entry in ClinVar:

ClinVar aggregate classification (germline): Pathogenic/Likely pathogenic. Review status: criteria provided, multiple submitters, no conflicts (2 of 4 stars). 8 submissions from 8 submitters: Pathogenic (5); Likely pathogenic (3). Last evaluated 2026-01-12.

Conditions:
Inborn genetic diseases. Identifiers: MedGen C0950123, MeSH D030342.
Mucolipidosis. Also called: Mucolipidoses. Identifiers: Orphanet 79212, MedGen C0026697, MONDO:0019248.
Mucolipidosis type II. Also called: Mucolipidosis 2; ML 2; Inclusion cell disease; Leroy Disease; N-acetylglucosamine 1phosphotransferase deficiency; ML disorder type 2. Identifiers: Orphanet 576, MedGen C2673377, MONDO:0009650, OMIM 252500.
Pseudo-Hurler polydystrophy. Also called: Mucolipidosis III Alpha/Beta; MUCOLIPIDOSIS IIIA; ML III; ML III ALPHA/BETA; Type III Mucolipidosis; ML IIIA. Identifiers: Orphanet 423461, Orphanet 577, MedGen C0033788, MONDO:0018931, OMIM 252600.

Allele frequency attached by ClinVar (database versions not stated): gnomAD exomes 0.00001 and below 0.00001; TOPMed 0.00001.

Submissions (8):

Labcorp Genetics (formerly Invitae), Labcorp
Classification: Pathogenic for Pseudo-Hurler polydystrophy; Mucolipidosis type II. Last evaluated: 2026-01-12. Review status: criteria provided, single submitter. Criteria: Invitae Variant Classification Sherloc (09022015). Collection method: clinical testing. Allele origin: germline.
Comment: This sequence change creates a premature translational stop signal (p.Pro655Hisfs*12) in the GNPTAB gene. It is expected to result in an absent or disrupted protein product. Loss-of-function variants in GNPTAB are known to be pathogenic (PMID: 19617216, 25107912). This variant is present in population databases (no rsID available, gnomAD 0.003%). This premature translational stop signal has been observed in individual(s) with clinical features of mucolipdosis III alpha/beta (PMID: 34645491). ClinVar contains an entry for this variant (Variation ID: 520752). For these reasons, this variant has been classified as Pathogenic.

Natera, Inc.
Classification: Likely pathogenic for Mucolipidosis type II. Last evaluated: 2025-07-30. Review status: criteria provided, single submitter. Criteria: Natera Variant Classification Schema (03/2026). Collection method: clinical testing. Allele origin: germline.
Comment: The c.1959_1960delTA variant in GNPTAB is a frameshift variant predicted to shift the reading frame beginning at codon 655 and leads to a stop codon 12 codons downstream. This variant is expected to result in nonsense mediated decay, truncation, or a dysfunctional protein product. This variant is rare in the general population with a frequency below the threshold expected for the associated phenotype(s). Given the available evidence, this variant is classified as Likely Pathogenic.

Women's Health and Genetics/Laboratory Corporation of America, LabCorp
Classification: Pathogenic for Mucolipidosis. Last evaluated: 2025-03-14. Review status: criteria provided, single submitter. Criteria: LabCorp Variant Classification Summary - May 2015. Collection method: clinical testing. Allele origin: germline.
Comment: Variant summary: GNPTAB c.1959_1960delTA (p.Pro655HisfsX12) results in a premature termination codon, predicted to cause a truncation of the encoded protein or absence of the protein due to nonsense mediated decay, which are commonly known mechanisms for disease. The variant allele was found at a frequency of 4e-06 in 251418 control chromosomes. c.1959_1960delTA has been reported in the literature in at least one compound heterozygous individual affected with Mucolipidosis (De La Vega_2021). To our knowledge, no experimental evidence demonstrating an impact on protein function has been reported. The following publication has been ascertained in the context of this evaluation (PMID: 34645491). ClinVar contains an entry for this variant (Variation ID: 520752). Based on the evidence outlined above, the variant was classified as pathogenic.

GeneDx
Classification: Likely pathogenic. Last evaluated: 2024-01-03. Review status: criteria provided, single submitter. Criteria: GeneDx Variant Classification Process June 2021. Collection method: clinical testing. Allele origin: germline. Affected: yes.
Comment: Frameshift variant predicted to result in protein truncation or nonsense mediated decay in a gene for which loss of function is a known mechanism of disease; Not observed at significant frequency in large population cohorts (gnomAD); Classified as a likely pathogenic variant; however additional supporting evidence was not described (PMID: 34645491); This variant is associated with the following publications: (PMID: 34645491)

Fulgent Genetics
Classification: Pathogenic for Mucolipidosis type II; Pseudo-Hurler polydystrophy. Last evaluated: 2023-12-20. Review status: criteria provided, single submitter. Criteria: ACMG Guidelines, 2015. Collection method: clinical testing. Allele origin: germline.

Baylor Genetics
Classification: Pathogenic for Mucolipidosis type II. Last evaluated: 2019-02-27. Review status: criteria provided, single submitter. Criteria: ACMG Guidelines, 2015. Collection method: clinical testing. Allele origin: unknown. Affected: yes.
Comment: This variant was determined to be pathogenic according to ACMG Guidelines, 2015 [PMID:25741868].

Rady Children's Institute for Genomic Medicine, Rady Children's Hospital San Diego
Classification: Likely pathogenic for MUCOLIPIDOSIS III ALPHA/BETA. Last evaluated: 2018-05-25. Review status: criteria provided, single submitter. Criteria: ACMG Guidelines, 2015. Collection method: clinical testing. Allele origin: germline. Affected: yes. Observed: 1 variant allele.
Comment: This frameshifting variant in exon 13 of 21 introduces a premature stop codon and is therefore predicted to result in loss of normal protein function. This variant has not been previously reported or functionally characterized in the literature to our knowledge. It is present in the heterozygous state in the gnomAD population database at a frequency of 0.0004% (1/246184) and thus is presumed to be rare. Based on the available evidence, the c.1959_1960delTA (p.Pro655HisfsTer12) variant is classified as likely pathogenic.

Ambry Genetics
Classification: Pathogenic for Inborn genetic diseases. Last evaluated: 2015-08-31. Review status: criteria provided, single submitter. Criteria: Ambry exome assertion method (8-5-2015). Collection method: clinical testing. Allele origin: germline. Affected: yes. Observed: 1 variant allele.

Literature cited by the submitters: PubMed 19617216 (cited by Labcorp Genetics (formerly Invitae), Labcorp); PubMed 25107912 (cited by Labcorp Genetics (formerly Invitae), Labcorp); PubMed 34645491 (cited by Labcorp Genetics (formerly Invitae), Labcorp and Women's Health and Genetics/Laboratory Corporation of America, LabCorp).

NM_024312.5(GNPTAB):c.1959_1960del (p.Pro655fs)

Gene: GNPTAB (N-acetylglucosamine-1-phosphate transferase subunits alpha and beta; minus strand). Cytogenetic location: 12q23.2.
Variant type: Deletion.
Coding change: c.1959_1960del on transcript NM_024312.5 (MANE Select); coding-DNA positions 1959 to 1960, 2 bases deleted (TA; older notation c.1959_1960delTA).
Protein change: p.Pro655fs; shifts the reading frame from proline 655.
Molecular consequence: frameshift variant.
Genome position (GRCh38, 1-based): chr12:101,764,957-101,764,958, TA deleted on the plus strand (TA on the coding strand, the reverse complement: GNPTAB is on the minus strand). VCF-style (leftmost placement, unchanged base first): chr12-101764956-CTA-C. GRCh37 (hg19) VCF-style: chr12-102158734-CTA-C.
Other names: c.1959_1960delTA (NM_024312.4, NM_024312.5); short protein forms P655fs.
Identifiers: ClinVar variation 520752 (VCV000520752.13), dbSNP rs1429181351, ClinGen allele CA607597818.